The following is an entry in ClinVar:

NM_018993.4(RIN2):c.1334A>G (p.Asp445Gly)

Gene: RIN2 (Ras and Rab interactor 2; plus strand). Cytogenetic location: 20p11.23.
Variant type: single nucleotide variant.
Coding change: c.1334A>G on transcript NM_018993.4 (MANE Select); coding-DNA position 1334, A replaced by G.
Protein change: p.Asp445Gly; replaces aspartic acid 445 with glycine.
Molecular consequence: missense variant.
Genome position (GRCh38, 1-based): chr20:19,975,359, A>G. VCF-style: chr20-19975359-A-G. GRCh37 (hg19) VCF-style: chr20-19956003-A-G.
Other names: c.1481A>G, p.Asp494Gly (NM_001242581.2); c.716A>G, p.Asp239Gly (NM_001378238.1); short protein forms D239G, D445G, D494G.
Identifiers: ClinVar variation 1304707 (VCV001304707.2), dbSNP rs1337320171, ClinGen allele CA408362347.

ClinVar aggregate classification (germline): Uncertain significance (1 of 4 stars; one submission).

Allele frequency attached by ClinVar (database versions not stated): gnomAD exomes below 0.00001; TOPMed below 0.00001; gnomAD 0.00001.
gnomAD v4.1: 2 of 1,613,614 alleles (0.00012%); highest among the groups gnomAD compares: African/African-American, 0.0013%; no homozygotes.

Submission:

GeneDx
Classification: Uncertain significance. Last evaluated: 2019-12-02. Review status: criteria provided, single submitter. Criteria: GeneDx Variant Classification Process June 2021. Collection method: clinical testing. Allele origin: germline. Affected: yes.
Comment: Not observed [at a significant frequency] in large population cohorts (Lek et al., 2016); In silico analysis, which includes protein predictors and evolutionary conservation, supports that this variant does not alter protein structure/function; Has not been previously published as pathogenic or benign to our knowledge